The following is an entry in ClinVar:

NM_015629.4(PRPF31):c.194T>A (p.Met65Lys)

Gene: PRPF31 (pre-mRNA processing factor 31; plus strand). Cytogenetic location: 19q13.42.
Variant type: single nucleotide variant.
Coding change: c.194T>A on transcript NM_015629.4 (MANE Select); coding-DNA position 194, T replaced by A.
Protein change: p.Met65Lys; replaces methionine 65 with lysine.
Molecular consequence: missense variant.
Genome position (GRCh38, 1-based): chr19:54,118,589, T>A. VCF-style: chr19-54118589-T-A. GRCh37 (hg19) VCF-style: chr19-54621969-T-A.
Other names: c.194T>A (NM_015629.3); short protein forms M65K.
Identifiers: ClinVar variation 1061391 (VCV001061391.9), dbSNP rs145505952, ClinGen allele CA309321152.

ClinVar aggregate classification (germline): Conflicting classifications of pathogenicity. Review status: criteria provided, conflicting classifications (1 of 4 stars). 3 submissions from 3 submitters: Uncertain significance (1); Benign (1). 1 of the submissions does not count toward it. Last evaluated 2026-01-19.

Conditions:
PRPF31-related disorder. Also called: PRPF31-related condition.

Allele frequency attached by ClinVar (database versions not stated): ExAC 0.00012; gnomAD exomes 0.00020 and 0.00030; ESP Exome Variant Server 0.00038; gnomAD 0.00042 and 0.00044; TOPMed 0.00042.
gnomAD v4.1: 506 of 1,614,008 alleles (0.031%); highest among the groups gnomAD compares: Admixed American, 0.11%; no homozygotes.

Submissions (3):

Labcorp Genetics (formerly Invitae), Labcorp
Classification: Uncertain significance. Last evaluated: 2026-01-19. Review status: criteria provided, single submitter. Criteria: Invitae Variant Classification Sherloc (09022015). Collection method: clinical testing. Allele origin: germline.
Comment: This sequence change replaces methionine, which is neutral and non-polar, with lysine, which is basic and polar, at codon 65 of the PRPF31 protein (p.Met65Lys). This variant is present in population databases (rs145505952, gnomAD 0.07%), and has an allele count higher than expected for a pathogenic variant. This missense change has been observed in individual(s) with inherited retinal dystrophy (PMID: 32483926). ClinVar contains an entry for this variant (Variation ID: 1061391). An algorithm developed to predict the effect of missense changes on protein structure and function (PolyPhen-2) suggests that this variant is likely to be tolerated. In summary, the available evidence is currently insufficient to determine the role of this variant in disease. Therefore, it has been classified as a Variant of Uncertain Significance.

Blueprint Genetics
Classification: Benign. Last evaluated: 2024-11-25. Review status: criteria provided, single submitter. Criteria: ACMG Guidelines, 2015. Collection method: clinical testing. Allele origin: germline.

PreventionGenetics, part of Exact Sciences
Classification: Uncertain significance for PRPF31-related condition. Last evaluated: 2024-08-28. Review status: no assertion criteria provided. Collection method: clinical testing. Allele origin: germline. Not counted in ClinVar's aggregate classification.
Comment: The PRPF31 c.194T>A variant is predicted to result in the amino acid substitution p.Met65Lys. This variant was reported in an individual with unspecified retinal and/or optic nerve disease (Diñeiro et al. 2020. PubMed ID: 32483926). This variant is reported in 0.065% of alleles in individuals of Latino descent in gnomAD, which is likely too frequent to be a primary cause of disease.. Although we suspect this variant may be benign, the clinical significance of this variant is uncertain due to the absence of conclusive functional and genetic evidence.

Literature cited by the submitters: PubMed 32483926 (cited by Labcorp Genetics (formerly Invitae), Labcorp).